The following is an entry in ClinVar:

ClinVar aggregate classification (germline): Uncertain significance (1 of 4 stars; one submission).

Conditions:
DNMT3A-related disorder. Also called: DNMT3A-related disorders; DNMT3A-related condition.

gnomAD v4.1: 31 of 1,578,092 alleles (0.002%); highest among the groups gnomAD compares: Non-Finnish European, 0.0027%; no homozygotes.

Submission:

PreventionGenetics, part of Exact Sciences
Classification: Uncertain significance for DNMT3A-related condition. Last evaluated: 2026-01-13. Review status: criteria provided, single submitter. Criteria: ACMG Guidelines, 2015. Collection method: clinical testing. Allele origin: germline.
Comment: The DNMT3A c.449G>A variant is predicted to result in the amino acid substitution p.Gly150Asp. To our knowledge, this variant has not been reported in the literature. This variant is reported in 0.00098% of alleles in individuals of European (Non-Finnish) descent in gnomAD. At this time, the clinical significance of this variant is uncertain due to the absence of conclusive functional and genetic evidence.

NM_022552.5(DNMT3A):c.449G>A (p.Gly150Asp)

Genes: DNMT3A (DNA methyltransferase 3 alpha; minus strand), LOC129933290 (ATAC-STARR-seq lymphoblastoid active region 15445; plus strand). Cytogenetic location: 2p23.3.
Variant type: single nucleotide variant.
Coding change: c.449G>A on transcript NM_022552.5 (MANE Select); coding-DNA position 449, G replaced by A.
Protein change: p.Gly150Asp; replaces glycine 150 with aspartic acid.
Molecular consequence: missense variant. On other transcripts: non-coding transcript variant (1).
Genome position (GRCh38, 1-based): chr2:25,275,543, C>T on the plus strand (G>A on the coding strand, the complement: DNMT3A is on the minus strand). VCF-style: chr2-25275543-C-T. GRCh37 (hg19) VCF-style: chr2-25498412-C-T.
Other names: c.449G>A, p.Gly150Asp (NM_175629.2); short protein forms G150D.
Identifiers: ClinVar variation 4986152 (VCV004986152.1).